The following is an entry in ClinVar:

NM_000313.4(PROS1):c.503A>G (p.Asn168Ser)

Gene: PROS1 (protein S; minus strand). Cytogenetic location: 3q11.1.
Variant type: single nucleotide variant.
Coding change: c.503A>G on transcript NM_000313.4 (MANE Select); coding-DNA position 503, A replaced by G.
Protein change: p.Asn168Ser; replaces asparagine 168 with serine.
Molecular consequence: missense variant.
Genome position (GRCh38, 1-based): chr3:93,905,882, T>C on the plus strand (A>G on the coding strand, the complement: PROS1 is on the minus strand). VCF-style: chr3-93905882-T-C. GRCh37 (hg19) VCF-style: chr3-93624726-T-C.
Other names: c.599A>G, p.Asn200Ser (NM_001314077.2); short protein forms N168S, N200S.
Identifiers: ClinVar variation 346891 (VCV000346891.25), dbSNP rs144430063, ClinGen allele CA2503459.

ClinVar aggregate classification (germline): Conflicting classifications of pathogenicity. Review status: criteria provided, conflicting classifications (1 of 4 stars). 3 submissions from 3 submitters: Uncertain significance (1); Likely benign (1). 1 of the submissions does not count toward it. Last evaluated 2026-01-28.

Conditions:
Thrombophilia due to protein S deficiency, autosomal recessive (THPH6). Identifiers: Orphanet 743, MedGen C3281092, MONDO:0013791, OMIM 614514. Disease mechanism: loss of function.
PROS1-related disorder. Also called: PROS1-related condition.
Thrombophilia due to protein S deficiency, autosomal dominant (THPH5). Identifiers: Orphanet 26349, Orphanet 743, MedGen C3278211, MONDO:0012868, OMIM 612336. Disease mechanism: loss of function.

Allele frequency attached by ClinVar (database versions not stated): TOPMed 0.00006; gnomAD 0.00008 and 0.00015; ESP Exome Variant Server 0.00015; gnomAD exomes 0.00018 and 0.00030; ExAC 0.00033; 1000 Genomes Project 30x 0.00047; 1000 Genomes Project 0.00060.
gnomAD v4.1: 294 of 1,612,542 alleles (0.018%); highest among the groups gnomAD compares: Middle Eastern, 0.15%; 1 homozygote.

Submissions (3):

Labcorp Genetics (formerly Invitae), Labcorp
Classification: Likely benign for Thrombophilia due to protein S deficiency, autosomal recessive. Last evaluated: 2026-01-28. Review status: criteria provided, single submitter. Criteria: Invitae Variant Classification Sherloc (09022015). Collection method: clinical testing. Allele origin: germline.

Illumina Laboratory Services, Illumina
Classification: Uncertain significance for Thrombophilia due to protein S deficiency, autosomal dominant. Last evaluated: 2018-01-13. Review status: criteria provided, single submitter. Criteria: ICSL Variant Classification Criteria 13 December 2019. Collection method: clinical testing. Allele origin: germline.

PreventionGenetics, part of Exact Sciences
Classification: Likely benign for PROS1-related condition. Last evaluated: 2023-12-21. Review status: no assertion criteria provided. Collection method: clinical testing. Allele origin: germline. Not counted in ClinVar's aggregate classification.
Comment: This variant is classified as likely benign based on ACMG/AMP sequence variant interpretation guidelines (Richards et al. 2015 PMID: 25741868, with internal and published modifications).